The following is an entry in ClinVar:

NM_152703.5(SAMD9L):c.4483C>T (p.Gln1495Ter)

Gene: SAMD9L (sterile alpha motif domain containing 9 like; minus strand). Cytogenetic location: 7q21.2.
Variant type: single nucleotide variant.
Coding change: c.4483C>T on transcript NM_152703.5 (MANE Select); coding-DNA position 4483, C replaced by T.
Protein change: p.Gln1495Ter; replaces glutamine 1495 with a stop codon.
Molecular consequence: nonsense.
Genome position (GRCh38, 1-based): chr7:93,131,489, G>A on the plus strand (C>T on the coding strand, the complement: SAMD9L is on the minus strand). VCF-style: chr7-93131489-G-A. GRCh37 (hg19) VCF-style: chr7-92760802-G-A.
Other names: c.4483C>T, p.Gln1495Ter (NM_001303496.3, NM_001303497.3, NM_001303498.3 and 5 more transcripts); short protein forms Q1495*.
Identifiers: ClinVar variation 3371610 (VCV003371610.1).

ClinVar aggregate classification (germline): Uncertain significance (1 of 4 stars; one submission).

Submission:

GeneDx
Classification: Uncertain significance. Last evaluated: 2024-03-28. Review status: criteria provided, single submitter. Criteria: GeneDx Variant Classification Process June 2021. Collection method: clinical testing. Allele origin: germline. Affected: yes.
Comment: Nonsense variant predicted to result in protein truncation in a gene or region of a gene for which loss of function is not a well-established mechanism of disease; Not observed at significant frequency in large population cohorts (gnomAD); Has not been previously published as pathogenic or benign to our knowledge